The following is an entry in ClinVar:

ClinVar aggregate classification (germline): Uncertain significance (1 of 4 stars; one submission).

Conditions:
Cardiovascular phenotype. Identifiers: MedGen CN230736.
Hereditary cancer-predisposing syndrome. Also called: Neoplastic Syndromes, Hereditary; Tumor predisposition; Hereditary Cancer Syndrome; Hereditary neoplastic syndrome. Identifiers: Orphanet 140162, MedGen C0027672, MeSH D009386, MONDO:0015356.

Submission:

Ambry Genetics
Classification: Uncertain significance for Cardiovascular phenotype; Hereditary cancer-predisposing syndrome. Last evaluated: 2026-05-16. Review status: criteria provided, single submitter. Criteria: Ambry Variant Classification Scheme 2023. Collection method: clinical testing. Allele origin: germline.
Comment: The p.A20S variant (also known as c.58G>T), located in coding exon 1 of the LZTR1 gene, results from a G to T substitution at nucleotide position 58. The alanine at codon 20 is replaced by serine, an amino acid with similar properties. This amino acid position is conserved. In addition, this alteration is predicted to be tolerated by in silico analysis. Based on the available evidence, the clinical significance of this variant remains unclear.

NM_006767.4(LZTR1):c.58G>T (p.Ala20Ser)

Genes: LZTR1 (leucine zipper like post translational regulator 1; plus strand), LOC130067016 (ATAC-STARR-seq lymphoblastoid silent region 13504; plus strand). Cytogenetic location: 22q11.21.
Variant type: single nucleotide variant.
Coding change: c.58G>T on transcript NM_006767.4 (MANE Select); coding-DNA position 58, G replaced by T.
Protein change: p.Ala20Ser; replaces alanine 20 with serine.
Molecular consequence: missense variant.
Genome position (GRCh38, 1-based): chr22:20,982,429, G>T. VCF-style: chr22-20982429-G-T. GRCh37 (hg19) VCF-style: chr22-21336718-G-T.
Other names: short protein forms A20S.
Identifiers: ClinVar variation 4859410 (VCV004859410.1).